The following is an entry in ClinVar:

ClinVar aggregate classification (germline): Likely pathogenic (1 of 4 stars; one submission).

Conditions:
Retinitis pigmentosa 3. Also called: CHOROIDORETINAL DEGENERATION WITH RETINAL REFLEX IN HETEROZYGOUS WOMEN. Identifiers: Orphanet 791, MedGen C1845667, MONDO:0010227, OMIM 300029.

Submission:

3billion
Classification: Likely pathogenic for Retinitis pigmentosa 3. Last evaluated: 2023-08-22. Review status: criteria provided, single submitter. Criteria: ACMG Guidelines, 2015. Collection method: clinical testing. Allele origin: germline. Affected: yes.
Comment: The variant is not observed in the gnomAD v2.1.1 dataset. Predicted Consequence/Location: Frameshift: predicted to result in a loss or disruption of normal protein function through protein truncation. The predicted truncated protein may be shortened by more than 10%. Therefore, this variant is classified as Likely pathogenic according to the recommendation of ACMG/AMP guideline.

NM_001034853.2(RPGR):c.2479del (p.Glu827fs)

Gene: RPGR (retinitis pigmentosa GTPase regulator; minus strand). Cytogenetic location: Xp11.4.
Variant type: Deletion.
Coding change: c.2479del on transcript NM_001034853.2 (MANE Select); coding-DNA position 2479, one base deleted (G; older notation c.2479delG).
Protein change: p.Glu827fs; shifts the reading frame from glutamic acid 827.
Molecular consequence: frameshift variant. On other transcripts: intron variant (8).
Genome position (GRCh38, 1-based): chrX:38,286,520, C deleted on the plus strand (G on the coding strand, the reverse complement: RPGR is on the minus strand); the first of 3 consecutive C bases (chrX:38,286,520-38,286,522); deleting any one gives the same sequence. VCF-style (leftmost placement, unchanged base first): chrX-38286519-TC-T. GRCh37 (hg19) VCF-style: chrX-38145772-TC-T.
Other names: c.1569+4439del (NM_001367249.1, NM_001367250.1); c.1902+574del (NM_001367245.1); c.1386+4439del (NM_001367251.1); c.1719+574del (NM_001367246.1); c.1572+4439del (NM_001367247.1); c.1905+574del (NM_000328.3); c.1602+4439del (NM_001367248.1); short protein forms E827fs.
Identifiers: ClinVar variation 3776166 (VCV003776166.1).